The following is an entry in ClinVar:

ClinVar aggregate classification (germline): Benign. Review status: criteria provided, multiple submitters, no conflicts (2 of 4 stars). 6 submissions from 6 submitters: Benign (4). 2 of the submissions do not count toward it. Last evaluated 2026-02-04.

Allele frequency attached by ClinVar (database versions not stated): TOPMed 0.03826; 1000 Genomes Project 0.06550; ESP Exome Variant Server 0.01116; gnomAD 0.02049; 1000 Genomes Project 30x 0.06558.
gnomAD v4.1: 22,697 of 1,613,770 alleles (1.4%); highest among the groups gnomAD compares: Admixed American, 16%; 1,577 homozygotes.

Submissions (6):

Labcorp Genetics (formerly Invitae), Labcorp
Classification: Benign. Last evaluated: 2026-02-04. Review status: criteria provided, single submitter. Criteria: Invitae Variant Classification Sherloc (09022015). Collection method: clinical testing. Allele origin: germline.

Unidad de Genómica Garrahan, Hospital de Pediatría Garrahan
Classification: Benign. Last evaluated: 2024-01-24. Review status: criteria provided, single submitter. Criteria: ACMG Guidelines, 2015. Collection method: clinical testing. Allele origin: germline. Affected: no. Observed: 21 variant alleles.
Comment: This variant is classified as Benign based on local population frequency. This variant was detected in 22% of patients studied by a panel of primary immunodeficiencies. Number of patients: 21. Only high quality variants are reported.

GeneDx
Classification: Benign. Last evaluated: 2016-03-21. Review status: criteria provided, single submitter. Criteria: GeneDx Variant Classification (06012015). Collection method: clinical testing. Allele origin: germline. Affected: yes.
Comment: This variant is considered likely benign or benign based on one or more of the following criteria: it is a conservative change, it occurs at a poorly conserved position in the protein, it is predicted to be benign by multiple in silico algorithms, and/or has population frequency not consistent with disease.

Breakthrough Genomics
Classification: Benign. Review status: criteria provided, single submitter. Criteria: ACMG Guidelines, 2015. Collection method: not provided. Allele origin: germline. Inheritance: Autosomal recessive inheritance. Affected: yes.

Clinical Genetics DNA and cytogenetics Diagnostics Lab, Erasmus MC, Erasmus Medical Center
Classification: Benign. Review status: no assertion criteria provided. Collection method: clinical testing. Allele origin: germline. Affected: yes. Study: VKGL Data-share Consensus. Not counted in ClinVar's aggregate classification.

Clinical Genetics, Academic Medical Center
Classification: Benign. Review status: no assertion criteria provided. Collection method: clinical testing. Allele origin: germline. Affected: yes. Study: VKGL Data-share Consensus. Not counted in ClinVar's aggregate classification.

NM_001291303.3(FAT4):c.8482G>A (p.Asp2828Asn)

Gene: FAT4 (FAT atypical cadherin 4; plus strand). Cytogenetic location: 4q28.1.
Variant type: single nucleotide variant.
Coding change: c.8482G>A on transcript NM_001291303.3 (MANE Select); coding-DNA position 8482, G replaced by A.
Protein change: p.Asp2828Asn; replaces aspartic acid 2828 with asparagine.
Molecular consequence: missense variant.
Genome position (GRCh38, 1-based): chr4:125,449,492, G>A. VCF-style: chr4-125449492-G-A. GRCh37 (hg19) VCF-style: chr4-126370647-G-A.
Other names: c.8482G>A, p.Asp2828Asn (NM_001291285.3); c.8476G>A, p.Asp2826Asn (NM_024582.6); short protein forms D2826N, D2828N.
Identifiers: ClinVar variation 380933 (VCV000380933.14), dbSNP rs12508222, ClinGen allele CA3073381.
Genomic context (GRCh38, chr4:125,449,492, plus strand): 5'-ATTAGTAGATATTCTATAATGGATGCAAGTCTTCCATTTACAATTAATCCCAGCACAGGG[G>A]ATATTGTCATAAGCAGACCTTTAAATAGGGAAGATACAGACCGTTACAGAATTCGAGTTT-3'
Protein context (NP_001278232.1, residues 2818-2838): LPFTINPSTG[Asp2828Asn]IVISRPLNRE